The following is an entry in ClinVar:

NM_001151.4(SLC25A4):c.435G>T (p.Val145=)

Gene: SLC25A4 (solute carrier family 25 member 4; plus strand). Cytogenetic location: 4q35.1.
Variant type: single nucleotide variant.
Coding change: c.435G>T on transcript NM_001151.4 (MANE Select); coding-DNA position 435, G replaced by T.
Protein change: p.Val145=; no amino-acid change (valine 145 retained).
Molecular consequence: synonymous variant.
Genome position (GRCh38, 1-based): chr4:185,145,087, G>T. VCF-style: chr4-185145087-G-T. GRCh37 (hg19) VCF-style: chr4-186066241-G-T.
Other names: c.435G>T (NM_001151.3).
Identifiers: ClinVar variation 1606180 (VCV001606180.10), dbSNP rs762735406, ClinGen allele CA3156468.
Genomic context (GRCh38, chr4:185,145,087, plus strand): 5'-CACCTCCCTTTGCTTTGTCTACCCGCTGGACTTTGCTAGGACCAGGTTGGCTGCTGATGT[G>T]GGCAAGGGCGCCGCCCAGCGTGAGTTCCATGGTCTGGGCGACTGTATCATCAAGATCTTC-3'
Protein context (NP_001142.2, residues 135-155): DFARTRLAAD[Val145=]GKGAAQREFH

ClinVar aggregate classification (germline): Likely benign. Review status: criteria provided, single submitter (1 of 4 stars). 2 submissions from 2 submitters: Likely benign (1). 1 of the submissions does not count toward it. Last evaluated 2025-10-11.

Conditions:
SLC25A4-related disorder. Also called: SLC25A4-related condition.

Allele frequency attached by ClinVar (database versions not stated): TOPMed 0.00006; gnomAD exomes 0.00007 and 0.00015; ExAC 0.00012.
gnomAD v4.1: 41 of 1,613,578 alleles (0.0025%); highest among the groups gnomAD compares: Admixed American, 0.068%; no homozygotes.

Submissions (2):

Labcorp Genetics (formerly Invitae), Labcorp
Classification: Likely benign. Last evaluated: 2025-10-11. Review status: criteria provided, single submitter. Criteria: Invitae Variant Classification Sherloc (09022015). Collection method: clinical testing. Allele origin: germline.

PreventionGenetics, part of Exact Sciences
Classification: Likely benign for SLC25A4-related condition. Last evaluated: 2019-03-13. Review status: no assertion criteria provided. Collection method: clinical testing. Allele origin: germline. Not counted in ClinVar's aggregate classification.
Comment: This variant is classified as likely benign based on ACMG/AMP sequence variant interpretation guidelines (Richards et al. 2015 PMID: 25741868, with internal and published modifications).